The following is an entry in ClinVar:

ClinVar aggregate classification (germline): Likely benign. Review status: criteria provided, multiple submitters, no conflicts (2 of 4 stars). 2 submissions from 2 submitters: Likely benign (2). Last evaluated 2025-05-12.

Conditions:
GNAT1-related disorder. Also called: GNAT1-related condition.

Allele frequency attached by ClinVar (database versions not stated): ExAC 0.00001; gnomAD exomes 0.00001; gnomAD 0.00002; TOPMed 0.00002.
gnomAD v4.1: 10 of 1,613,944 alleles (0.00062%); highest among the groups gnomAD compares: African/African-American, 0.004%; no homozygotes.

Submissions (2):

PreventionGenetics, part of Exact Sciences
Classification: Likely benign for GNAT1-related condition. Last evaluated: 2025-05-12. Review status: criteria provided, single submitter. Criteria: ACMG Guidelines, 2015. Collection method: clinical testing. Allele origin: germline.
Comment: This variant is classified as likely benign based on ACMG/AMP sequence variant interpretation guidelines (Richards et al. 2015 PMID: 25741868, with internal and published modifications).

Labcorp Genetics (formerly Invitae), Labcorp
Classification: Likely benign. Last evaluated: 2024-01-25. Review status: criteria provided, single submitter. Criteria: Invitae Variant Classification Sherloc (09022015). Collection method: clinical testing. Allele origin: germline.

NM_144499.3(GNAT1):c.618G>A (p.Lys206=)

Gene: GNAT1 (G protein subunit alpha transducin 1; plus strand). Cytogenetic location: 3p21.31.
Variant type: single nucleotide variant.
Coding change: c.618G>A on transcript NM_144499.3 (MANE Select); coding-DNA position 618, G replaced by A.
Protein change: p.Lys206=; no amino-acid change (lysine 206 retained).
Molecular consequence: synonymous variant.
Genome position (GRCh38, 1-based): chr3:50,194,131, G>A. VCF-style: chr3-50194131-G-A. GRCh37 (hg19) VCF-style: chr3-50231564-G-A.
Other names: c.618G>A, p.Lys206= (NM_000172.4); c.618G>A (NM_144499.2).
Identifiers: ClinVar variation 1129791 (VCV001129791.8), dbSNP rs778862352, ClinGen allele CA2412660.